The following is an entry in ClinVar:

NM_000551.4(VHL):c.340+785T>C

Genes: VHL (von Hippel-Lindau tumor suppressor; plus strand), LOC107303340 (3p25 von Hippel-Lindau tumor suppressor, E3 ubiquitin protein ligase Alu-mediated recombination region; plus strand). Cytogenetic location: 3p25.3.
Variant type: single nucleotide variant.
Coding change: c.340+785T>C on transcript NM_000551.4 (MANE Select); 785 bases into the intron after coding-DNA position 340, T replaced by C.
Molecular consequence: intron variant. On other transcripts: missense variant (1), non-coding transcript variant (1).
Genome position (GRCh38, 1-based): chr3:10,142,972, T>C. VCF-style: chr3-10142972-T-C. GRCh37 (hg19) VCF-style: chr3-10184656-T-C.
Other names: c.550T>C, p.Phe184Leu (NM_001354723.2); c.340+785T>C (NM_198156.3); short protein forms F184L.
Identifiers: ClinVar variation 4791045 (VCV004791045.1).

ClinVar aggregate classification (germline): Uncertain significance (1 of 4 stars; one submission).

Conditions:
Chuvash polycythemia. Also called: POLYCYTHEMIA, VHL-DEPENDENT. Identifiers: Orphanet 238557, MedGen C1837915, MONDO:0009892, OMIM 263400.
Von Hippel-Lindau syndrome (VHLS). Also called: von Hippel–Lindau syndrome; VHL syndrome; Von Hippel-Lindau. Identifiers: Orphanet 892, MedGen C0019562, MONDO:0008667, OMIM 193300. Disease mechanism: loss of function.

Submission:

Labcorp Genetics (formerly Invitae), Labcorp
Classification: Uncertain significance for Von Hippel-Lindau syndrome; Chuvash polycythemia. Last evaluated: 2025-11-16. Review status: criteria provided, single submitter. Criteria: Invitae Variant Classification Sherloc (09022015). Collection method: clinical testing. Allele origin: germline.
Comment: This sequence change falls in intron 1 of the VHL gene. It is not expected to change the encoded amino acid sequence of the VHL protein. However, this sequence change falls within a cryptic exon in the VHL gene, known as exon E1’, which is naturally expressed at low levels in several human tissues (PMID: 29891534). This variant is not present in population databases (gnomAD no frequency). This variant has not been reported in the literature in individuals affected with VHL-related conditions. Studies have shown that this variant is associated with inconclusive levels of altered splicing (internal data). In summary, the available evidence is currently insufficient to determine the role of this variant in disease. Therefore, it has been classified as a Variant of Uncertain Significance.

Literature cited by the submitters: PubMed 29891534.